The following is an entry in ClinVar:

ClinVar aggregate classification (germline): Uncertain significance. Review status: criteria provided, multiple submitters, no conflicts (2 of 4 stars). 2 submissions from 2 submitters: Uncertain significance (2). Last evaluated 2023-05-22.

Conditions:
Congenital myotonia, autosomal recessive form. Also called: Becker Generalized Myotonia; myotonia congenita, autosomal recessive; BECKER DISEASE. Identifiers: Orphanet 614, MedGen C0751360, MONDO:0009715, OMIM 255700.
Congenital myotonia, autosomal dominant form (THD). Also called: THOMSEN DISEASE; Myotonia congenita autosomal dominant. Identifiers: Orphanet 614, MedGen C2936781, MONDO:0008055, OMIM 160800.

gnomAD v4.1: 2 of 1,614,170 alleles (0.00012%); highest among the groups gnomAD compares: South Asian, 0.0022%; no homozygotes.

Submissions (2):

Labcorp Genetics (formerly Invitae), Labcorp
Classification: Uncertain significance for Congenital myotonia, autosomal recessive form; Congenital myotonia, autosomal dominant form. Last evaluated: 2023-05-22. Review status: criteria provided, single submitter. Criteria: Invitae Variant Classification Sherloc (09022015). Collection method: clinical testing. Allele origin: germline.
Comment: In summary, the available evidence is currently insufficient to determine the role of this variant in disease. Therefore, it has been classified as a Variant of Uncertain Significance. Experimental studies have shown that this missense change affects CLCN1 function (PMID: 34529042). Advanced modeling of protein sequence and biophysical properties (such as structural, functional, and spatial information, amino acid conservation, physicochemical variation, residue mobility, and thermodynamic stability) performed at Invitae indicates that this missense variant is expected to disrupt CLCN1 protein function. ClinVar contains an entry for this variant (Variation ID: 939897). This missense change has been observed in individual(s) with clinical features of CLCN1-related conditions (PMID: 34529042). This variant is present in population databases (no rsID available, gnomAD 0.003%). This sequence change replaces valine, which is neutral and non-polar, with aspartic acid, which is acidic and polar, at codon 397 of the CLCN1 protein (p.Val397Asp).

Arcensus
Classification: Uncertain significance for Congenital myotonia, autosomal recessive form. Last evaluated: 2013-02-01. Review status: criteria provided, single submitter. Criteria: ACMG Guidelines, 2015. Collection method: clinical testing. Allele origin: germline. Affected: yes.

Literature cited by the submitters: PubMed 34529042 (cited by Labcorp Genetics (formerly Invitae), Labcorp).

NM_000083.3(CLCN1):c.1190T>A (p.Val397Asp)

Gene: CLCN1 (chloride voltage-gated channel 1; plus strand). Cytogenetic location: 7q34.
Variant type: single nucleotide variant.
Coding change: c.1190T>A on transcript NM_000083.3 (MANE Select); coding-DNA position 1190, T replaced by A.
Protein change: p.Val397Asp; replaces valine 397 with aspartic acid.
Molecular consequence: missense variant. On other transcripts: non-coding transcript variant (1).
Genome position (GRCh38, 1-based): chr7:143,332,442, T>A. VCF-style: chr7-143332442-T-A. GRCh37 (hg19) VCF-style: chr7-143029535-T-A.
Other names: short protein forms V397D.
Identifiers: ClinVar variation 939897 (VCV000939897.26), dbSNP rs368958317, ClinGen allele CA369643229.